The following is an entry in ClinVar:

ClinVar aggregate classification (germline): Uncertain significance (1 of 4 stars; one submission).

Conditions:
Seizures, benign familial infantile, 3 (BFIS3). Also called: Familial neonatal seizures; CONVULSIONS, BENIGN FAMILIAL INFANTILE, 3. Identifiers: Orphanet 140927, Orphanet 306, MedGen C1843140, MONDO:0011904, OMIM 607745.
Developmental and epileptic encephalopathy, 11 (DEE11). Also called: Early infantile epileptic encephalopathy 11. Identifiers: Orphanet 1934, MedGen C3150987, MONDO:0013388, OMIM 613721.

Submission:

Labcorp Genetics (formerly Invitae), Labcorp
Classification: Uncertain significance for Seizures, benign familial infantile, 3; Developmental and epileptic encephalopathy, 11. Last evaluated: 2022-12-06. Review status: criteria provided, single submitter. Criteria: Invitae Variant Classification Sherloc (09022015). Collection method: clinical testing. Allele origin: germline.
Comment: In summary, the available evidence is currently insufficient to determine the role of this variant in disease. Therefore, it has been classified as a Variant of Uncertain Significance. Advanced modeling of protein sequence and biophysical properties (such as structural, functional, and spatial information, amino acid conservation, physicochemical variation, residue mobility, and thermodynamic stability) performed at Invitae indicates that this missense variant is expected to disrupt SCN2A protein function. ClinVar contains an entry for this variant (Variation ID: 1346325). This variant has not been reported in the literature in individuals affected with SCN2A-related conditions. This variant is not present in population databases (gnomAD no frequency). This sequence change replaces glutamine, which is neutral and polar, with histidine, which is basic and polar, at codon 243 of the SCN2A protein (p.Gln243His).

NM_001040142.2(SCN2A):c.729G>C (p.Gln243His)

Gene: SCN2A (sodium voltage-gated channel alpha subunit 2; plus strand). Cytogenetic location: 2q24.3.
Variant type: single nucleotide variant.
Coding change: c.729G>C on transcript NM_001040142.2 (MANE Select); coding-DNA position 729, G replaced by C.
Protein change: p.Gln243His; replaces glutamine 243 with histidine.
Molecular consequence: missense variant.
Genome position (GRCh38, 1-based): chr2:165,310,354, G>C. VCF-style: chr2-165310354-G-C. GRCh37 (hg19) VCF-style: chr2-166166864-G-C.
Other names: c.729G>C, p.Gln243His (NM_001040143.2, NM_001371246.1, NM_001371247.1 and 1 more transcripts); short protein forms Q243H.
Identifiers: ClinVar variation 1346325 (VCV001346325.8), dbSNP rs1697361678, ClinGen allele CA349017852.
Genomic context (GRCh38, chr2:165,310,354, plus strand): 5'-TAAATTCCCCCTTCTGATTTTGTTTGTAGGCCTGAAGACCATTGTGGGGGCCCTGATCCA[G>C]TCAGTGAAGAAGCTTTCTGATGTCATGATCTTGACTGTGTTCTGTCTAAGCGTGTTTGCG-3'
Protein context (NP_001035232.1, residues 233-253): GLKTIVGALI[Gln243His]SVKKLSDVMI